The following is an entry in ClinVar:

ClinVar aggregate classification (germline): Uncertain significance. Review status: criteria provided, multiple submitters, no conflicts (2 of 4 stars). 2 submissions from 2 submitters: Uncertain significance (2). Last evaluated 2026-09-24.

Conditions:
Episodic kinesigenic dyskinesia (EKD). Also called: Paroxysmal kinesigenic dyskinesia. Identifiers: Orphanet 98809, MedGen C1868682, MONDO:0044202.

Allele frequency attached by ClinVar (database versions not stated): TOPMed 0.00002.
gnomAD v4.1: 16 of 1,541,704 alleles (0.001%); highest among the groups gnomAD compares: African/African-American, 0.0027%; no homozygotes.

Submissions (2):

GeneDx
Classification: Uncertain significance. Last evaluated: 2026-09-24. Review status: criteria provided, single submitter. Criteria: GeneDx Variant Classification Process June 2021. Collection method: clinical testing. Allele origin: germline.
Comment: Not observed at significant frequency in large population cohorts (gnomAD); In silico analysis suggests that this missense variant does not alter protein structure/function; Has not been previously published as pathogenic or benign to our knowledge

Labcorp Genetics (formerly Invitae), Labcorp
Classification: Uncertain significance for Episodic kinesigenic dyskinesia. Last evaluated: 2024-11-09. Review status: criteria provided, single submitter. Criteria: Invitae Variant Classification Sherloc (09022015). Collection method: clinical testing. Allele origin: germline.
Comment: This sequence change replaces serine, which is neutral and polar, with phenylalanine, which is neutral and non-polar, at codon 208 of the PRRT2 protein (p.Ser208Phe). This variant is present in population databases (rs201409113, gnomAD 0.003%). This variant has not been reported in the literature in individuals affected with PRRT2-related conditions. ClinVar contains an entry for this variant (Variation ID: 206698). Invitae Evidence Modeling of protein sequence and biophysical properties (such as structural, functional, and spatial information, amino acid conservation, physicochemical variation, residue mobility, and thermodynamic stability) indicates that this missense variant is not expected to disrupt PRRT2 protein function with a negative predictive value of 95%. In summary, the available evidence is currently insufficient to determine the role of this variant in disease. Therefore, it has been classified as a Variant of Uncertain Significance.

NM_145239.3(PRRT2):c.623C>T (p.Ser208Phe)

Genes: MVP-DT (MVP divergent transcript; minus strand), PRRT2 (proline rich transmembrane protein 2; plus strand). Cytogenetic location: 16p11.2.
Variant type: single nucleotide variant.
Coding change: c.623C>T on transcript NM_145239.3 (MANE Select); coding-DNA position 623, C replaced by T.
Protein change: p.Ser208Phe; replaces serine 208 with phenylalanine.
Molecular consequence: missense variant.
Genome position (GRCh38, 1-based): chr16:29,813,677, C>T. VCF-style: chr16-29813677-C-T. GRCh37 (hg19) VCF-style: chr16-29824998-C-T.
Other names: p.S208F:TCC>TTC; c.623C>T, p.Ser208Phe (NM_001256442.2, NM_001256443.2); short protein forms S208F.
Identifiers: ClinVar variation 206698 (VCV000206698.13), dbSNP rs201409113, ClinGen allele CA317048.
Genomic context (GRCh38, chr16:29,813,677, plus strand): 5'-AGGCTGGTGATGGGGAAGAGGGCCCAGCCCCTGAGCCTCACTCACCACCCTCAAAAAAAT[C>T]CCCCCCAGCCAATGGGGCCCCCCCCCGAGTGCTGCAGCAGCTGGTTGAGGAGGATCGAAT-3'
Protein context (NP_660282.2, residues 198-218): PEPHSPPSKK[Ser208Phe]PPANGAPPRV